The following is an entry in ClinVar:

ClinVar aggregate classification (germline): Pathogenic (1 of 4 stars; one submission).

Submission:

Labcorp Genetics (formerly Invitae), Labcorp
Classification: Pathogenic. Last evaluated: 2021-08-03. Review status: criteria provided, single submitter. Criteria: Invitae Variant Classification Sherloc (09022015). Collection method: clinical testing. Allele origin: germline.
Comment: For these reasons, this variant has been classified as Pathogenic. This variant has not been reported in the literature in individuals affected with USH2A-related conditions. This variant is not present in population databases (ExAC no frequency). This sequence change creates a premature translational stop signal (p.Gln895Asnfs*72) in the USH2A gene. It is expected to result in an absent or disrupted protein product. Loss-of-function variants in USH2A are known to be pathogenic (PMID: 10729113, 10909849, 20507924, 25649381).

Literature cited by the submitters: PubMed 10729113; PubMed 10909849; PubMed 20507924; PubMed 25649381.

NM_206933.4(USH2A):c.2682del (p.Gln895fs)

Genes: USH2A (usherin; minus strand), LOC122152296 (Sharpr-MPRA regulatory region 8762; plus strand). Cytogenetic location: 1q41.
Variant type: Deletion.
Coding change: c.2682del on transcript NM_206933.4 (MANE Select); coding-DNA position 2682, one base deleted (T; older notation c.2682delT).
Protein change: p.Gln895fs; shifts the reading frame from glutamine 895.
Molecular consequence: frameshift variant.
Genome position (GRCh38, 1-based): chr1:216,246,712, A deleted on the plus strand (T on the coding strand, the reverse complement: USH2A is on the minus strand); the first of 4 consecutive A bases (chr1:216,246,712-216,246,715); deleting any one gives the same sequence. VCF-style (leftmost placement, unchanged base first): chr1-216246711-GA-G. GRCh37 (hg19) VCF-style: chr1-216420053-GA-G.
Other names: c.2682del, p.Gln895fs (NM_007123.6); short protein forms Q895fs.
Identifiers: ClinVar variation 1401849 (VCV001401849.6), dbSNP rs2102545206, ClinGen allele CA2573132758.